The following is an entry in ClinVar:

NM_001372044.2(SHANK3):c.4613dup (p.Arg1539fs)

Gene: SHANK3 (SH3 and multiple ankyrin repeat domains 3; plus strand). Cytogenetic location: 22q13.33.
Variant type: Duplication.
Coding change: c.4613dup on transcript NM_001372044.2 (MANE Select); coding-DNA position 4613, one base duplicated (C; older notation c.4613dupC).
Protein change: p.Arg1539fs; shifts the reading frame from arginine 1539.
Molecular consequence: frameshift variant.
Genome position (GRCh38, 1-based): chr22:50,722,221, C duplicated; the last of 3 consecutive C bases (chr22:50,722,219-50,722,221); duplicating any one gives the same sequence. VCF-style (leftmost placement, unchanged base first): chr22-50722218-G-GC. GRCh37 (hg19) VCF-style: chr22-51160646-G-GC.
Other names: c.4388dup, p.Arg1464Serfs (NM_033517.1); short protein forms R1539fs.
Identifiers: ClinVar variation 2585315 (VCV002585315.1), dbSNP rs2518430356, ClinGen allele CA2582342889.

ClinVar aggregate classification (germline): Uncertain significance (1 of 4 stars; one submission).

Conditions:
Phelan-McDermid syndrome. Also called: TELOMERIC 22q13 MONOSOMY SYNDROME; 22q13.3 deletion syndrome; Phelan-McDermid Syndrome-SHANK3 Related. Identifiers: Orphanet 48652, MedGen C1853490, MONDO:0011652, OMIM 606232.

Submission:

Neuberg Centre For Genomic Medicine, NCGM
Classification: Uncertain significance for Phelan-McDermid syndrome. Review status: criteria provided, single submitter. Criteria: ACMG Guidelines, 2015. Collection method: clinical testing. Allele origin: germline. Inheritance: Autosomal dominant inheritance. Affected: yes.
Comment: The frameshift SHANK3 (p.Asp1538GlyfsTer12) variant has not been reported previously as a pathogenic variant nor as a benign variant, to our knowledge. The p.Asp1538GlyfsTer12 variant is novel (not in any individuals) in gnomAD Exomes and 1000 Genomes. This variant causes a frameshift starting with codon Aspartic Acid 1538, changes this amino acid to Glycine residue, and creates a premature Stop codon at position 12 of the new reading frame, denoted p.Asp1538GlyfsTer12. However since this variant is present in the penultimate exon functional studies will be required to prove protein truncation. For these reasons, this variant has been classified as Variant of Uncertain Significance (VUS).